The following is an entry in ClinVar:

NM_002471.4(MYH6):c.5164A>C (p.Asn1722His)

Gene: MYH6 (myosin heavy chain 6; minus strand). Cytogenetic location: 14q11.2.
Variant type: single nucleotide variant.
Coding change: c.5164A>C on transcript NM_002471.4 (MANE Select); coding-DNA position 5164, A replaced by C.
Protein change: p.Asn1722His; replaces asparagine 1722 with histidine.
Molecular consequence: missense variant.
Genome position (GRCh38, 1-based): chr14:23,385,041, T>G on the plus strand (A>C on the coding strand, the complement: MYH6 is on the minus strand). VCF-style: chr14-23385041-T-G. GRCh37 (hg19) VCF-style: chr14-23854250-T-G.
Other names: short protein forms N1722H.
Identifiers: ClinVar variation 645798 (VCV000645798.8), dbSNP rs889866809, ClinGen allele CA388988736.
Genomic context (GRCh38, chr14:23,385,041, plus strand): 5'-CCGACTGGAGCTGGGTCAGATCCGACTCCATCTTCTTCTTCTGGTTGATGAGGCTGGTGT[T>G]CTAGACATGGAGAGAGAAAAATGATCAAATATATACTACACTTTGTTACCTGATTTCATA-3'
Protein context (NP_002462.2, residues 1712-1732): SERVQLLHSQ[Asn1722His]TSLINQKKKM

ClinVar aggregate classification (germline): Uncertain significance (1 of 4 stars; one submission).

Conditions:
Hypertrophic cardiomyopathy 14. Identifiers: MedGen C2750467, MONDO:0013197, OMIM 613251.

Submission:

Labcorp Genetics (formerly Invitae), Labcorp
Classification: Uncertain significance for Hypertrophic cardiomyopathy 14. Last evaluated: 2018-08-08. Review status: criteria provided, single submitter. Criteria: Invitae Variant Classification Sherloc (09022015). Collection method: clinical testing. Allele origin: germline.
Comment: In summary, the available evidence is currently insufficient to determine the role of this variant in disease. Therefore, it has been classified as a Variant of Uncertain Significance. Algorithms developed to predict the effect of missense changes on protein structure and function are either unavailable or do not agree on the potential impact of this missense change (SIFT: "Tolerated"; PolyPhen-2: "Probably Damaging"; Align-GVGD: "Class C0"). This variant has not been reported in the literature in individuals with MYH6-related disease. This variant is not present in population databases (ExAC no frequency). This sequence change replaces asparagine with histidine at codon 1722 of the MYH6 protein (p.Asn1722His). The asparagine residue is moderately conserved and there is a small physicochemical difference between asparagine and histidine.